The following is an entry in ClinVar:

NM_031935.3(HMCN1):c.8812A>G (p.Ile2938Val)

Gene: HMCN1 (hemicentin 1; plus strand). Cytogenetic location: 1q31.1.
Variant type: single nucleotide variant.
Coding change: c.8812A>G on transcript NM_031935.3 (MANE Select); coding-DNA position 8812, A replaced by G.
Protein change: p.Ile2938Val; replaces isoleucine 2938 with valine.
Molecular consequence: missense variant.
Genome position (GRCh38, 1-based): chr1:186,082,889, A>G. VCF-style: chr1-186082889-A-G. GRCh37 (hg19) VCF-style: chr1-186052021-A-G.
Other names: short protein forms I2938V.
Identifiers: ClinVar variation 2414343 (VCV002414343.6), dbSNP rs779322962, ClinGen allele CA343915934.

ClinVar aggregate classification (germline): Uncertain significance (1 of 4 stars; one submission).

Allele frequency attached by ClinVar (database versions not stated): gnomAD exomes below 0.00001.
gnomAD v4.1: 2 of 1,588,112 alleles (0.00013%); highest among the groups gnomAD compares: Admixed American, 0.0034%; no homozygotes.

Submission:

Labcorp Genetics (formerly Invitae), Labcorp
Classification: Uncertain significance. Last evaluated: 2025-11-25. Review status: criteria provided, single submitter. Criteria: Invitae Variant Classification Sherloc (09022015). Collection method: clinical testing. Allele origin: germline.
Comment: This sequence change replaces isoleucine, which is neutral and non-polar, with valine, which is neutral and non-polar, at codon 2938 of the HMCN1 protein (p.Ile2938Val). This variant is present in population databases (no rsID available, gnomAD 0.003%). This variant has not been reported in the literature in individuals affected with HMCN1-related conditions. ClinVar contains an entry for this variant (Variation ID: 2414343). An algorithm developed to predict the effect of missense changes on protein structure and function (PolyPhen-2) suggests that this variant is likely to be tolerated. In summary, the available evidence is currently insufficient to determine the role of this variant in disease. Therefore, it has been classified as a Variant of Uncertain Significance.